The following is an entry in ClinVar:

ClinVar aggregate classification (germline): Uncertain significance (1 of 4 stars; one submission).

Conditions:
Nemaline myopathy 2 (NEM2). Also called: Nemaline myopathy 2, autosomal recessive. Identifiers: MedGen C1850569, MONDO:0009725, OMIM 256030.

Allele frequency attached by ClinVar (database versions not stated): gnomAD 0.00003; ExAC 0.00004; TOPMed 0.00004; gnomAD exomes 0.00007; 1000 Genomes Project 30x 0.00016; 1000 Genomes Project 0.00020.
gnomAD v4.1: 101 of 1,602,452 alleles (0.0063%); highest among the groups gnomAD compares: Middle Eastern, 0.017%; no homozygotes.

Submission:

Labcorp Genetics (formerly Invitae), Labcorp
Classification: Uncertain significance for Nemaline myopathy 2. Last evaluated: 2021-10-04. Review status: criteria provided, single submitter. Criteria: Invitae Variant Classification Sherloc (09022015). Collection method: clinical testing. Allele origin: germline.
Comment: This sequence change affects codon 4006 of the NEB mRNA. It is a 'silent' change, meaning that it does not change the encoded amino acid sequence of the NEB protein. This variant is present in population databases (rs552686980, ExAC 0.02%). This variant has not been reported in the literature in individuals with NEB-related conditions. Algorithms developed to predict the effect of sequence changes on RNA splicing suggest that this variant may disrupt the consensus splice site, but this prediction has not been confirmed by published transcriptional studies. In summary, the available evidence is currently insufficient to determine the role of this variant in disease. Therefore, it has been classified as a Variant of Uncertain Significance.

NM_001164508.2(NEB):c.12018C>T (p.Asp4006=)

Gene: NEB (nebulin; minus strand). Cytogenetic location: 2q23.3.
Variant type: single nucleotide variant.
Coding change: c.12018C>T on transcript NM_001164508.2 (MANE Select); coding-DNA position 12018, C replaced by T.
Protein change: p.Asp4006=; no amino-acid change (aspartic acid 4006 retained).
Molecular consequence: synonymous variant.
Genome position (GRCh38, 1-based): chr2:151,610,516, G>A on the plus strand (C>T on the coding strand, the complement: NEB is on the minus strand). VCF-style: chr2-151610516-G-A. GRCh37 (hg19) VCF-style: chr2-152467030-G-A.
Other names: c.12018C>T, p.Asp4006= (NM_001164507.2, NM_001271208.2); c.11289C>T, p.Asp3763= (NM_004543.5).
Identifiers: ClinVar variation 2038604 (VCV002038604.1), dbSNP rs552686980, ClinGen allele CA1908613.
Genomic context (GRCh38, chr2:151,610,516, plus strand): 5'-CCACCCTCTGGGTTGTTCAGCACAGTGGAGACCACAGAGAGTTAGATGGAAGGTACTCAC[G>A]TCACTGGCGATGTCCCTGGAGGCCTTGGCACTTTTGATGGAAATAGCATCTGCTCTCAGA-3'
Protein context (NP_001157980.2, residues 3996-4016): SAKASRDIAS[Asp4006=]YKYKEAYEKQ